The following is an entry in ClinVar:

ClinVar aggregate classification (germline): Uncertain significance (1 of 4 stars; one submission).

Conditions:
Long QT syndrome (LQTS). Identifiers: MedGen C0023976, MeSH D008133, MONDO:0002442. Disease mechanism: loss of function. Inheritance: Various modes of inheritance.

Submission:

Labcorp Genetics (formerly Invitae), Labcorp
Classification: Uncertain significance for Long QT syndrome. Last evaluated: 2022-03-14. Review status: criteria provided, single submitter. Criteria: Invitae Variant Classification Sherloc (09022015). Collection method: clinical testing. Allele origin: germline.
Comment: In summary, the available evidence is currently insufficient to determine the role of this variant in disease. Therefore, it has been classified as a Variant of Uncertain Significance. Variants that disrupt the consensus splice site are a relatively common cause of aberrant splicing (PMID: 17576681, 9536098). Algorithms developed to predict the effect of sequence changes on RNA splicing suggest that this variant is not likely to affect RNA splicing. This variant has not been reported in the literature in individuals affected with CACNA1C-related conditions. This variant is not present in population databases (gnomAD no frequency). This sequence change falls in intron 37 of the CACNA1C gene. It does not directly change the encoded amino acid sequence of the CACNA1C protein. It affects a nucleotide within the consensus splice site.

Literature cited by the submitters: PubMed 17576681; PubMed 9536098.

NM_000719.7(CACNA1C):c.4623+4A>G

Gene: CACNA1C (calcium voltage-gated channel subunit alpha1 C; plus strand). Cytogenetic location: 12p13.33.
Variant type: single nucleotide variant.
Coding change: c.4623+4A>G on transcript NM_000719.7 (MANE Select); 4 bases into the intron after coding-DNA position 4623, A replaced by G.
Molecular consequence: intron variant.
Genome position (GRCh38, 1-based): chr12:2,666,786, A>G. VCF-style: chr12-2666786-A-G. GRCh37 (hg19) VCF-style: chr12-2775952-A-G.
Other names: c.4623+4A>G (NM_001167624.3, NM_001167623.2, NM_001129840.2 and 7 more transcripts); c.4590+4A>G (NM_001167625.2, NM_001129837.2, NM_001129838.2 and 1 more transcripts); c.4767+4A>G (NM_199460.4, NM_001129827.2); c.4683+4A>G (NM_001129832.2); c.4707+4A>G (NM_001129831.2); c.4689+4A>G (NM_001129829.2); c.4584+4A>G (NM_001129839.2); c.4674+4A>G (NM_001129836.2); and 1 more.
Identifiers: ClinVar variation 2112079 (VCV002112079.4), dbSNP rs2529922683, ClinGen allele CA645579467.